The following is an entry in ClinVar:

NM_006496.4(GNAI3):c.588C>T (p.Phe196=)

Gene: GNAI3 (G protein subunit alpha i3; plus strand). Cytogenetic location: 1p13.3.
Variant type: single nucleotide variant.
Coding change: c.588C>T on transcript NM_006496.4 (MANE Select); coding-DNA position 588, C replaced by T.
Protein change: p.Phe196=; no amino-acid change (phenylalanine 196 retained).
Molecular consequence: synonymous variant.
Genome position (GRCh38, 1-based): chr1:109,582,563, C>T. VCF-style: chr1-109582563-C-T. GRCh37 (hg19) VCF-style: chr1-110125185-C-T.
Identifiers: ClinVar variation 3042466 (VCV003042466.3), dbSNP rs199684276, ClinGen allele CA992100.
Genomic context (GRCh38, chr1:109,582,563, plus strand): 5'-GACGAGAGTGAAGACCACAGGCATTGTAGAAACACATTTCACCTTCAAAGACCTATACTT[C>T]AAGTAAGTCATTAGCCTTTTTGCTAGGTGTGCCAAATACAAGTATCTTTCATTTTAGTTT-3'
Protein context (NP_006487.1, residues 186-206): ETHFTFKDLY[Phe196=]KMFDVGGQRS

ClinVar aggregate classification (germline): Likely benign. Review status: criteria provided, single submitter (1 of 4 stars). 2 submissions from 2 submitters: Likely benign (1). 1 of the submissions does not count toward it. Last evaluated 2024-09-23.

Conditions:
GNAI3-related disorder. Also called: GNAI3-related condition.

Allele frequency attached by ClinVar (database versions not stated): TOPMed 0.00002; gnomAD 0.00006; 1000 Genomes Project 0.00040; ExAC 0.00040; 1000 Genomes Project 30x 0.00062.
gnomAD v4.1: 283 of 1,604,000 alleles (0.018%); highest among the groups gnomAD compares: South Asian, 0.3%; 2 homozygotes.

Submissions (2):

Blueprint Genetics
Classification: Likely benign. Last evaluated: 2024-09-23. Review status: criteria provided, single submitter. Criteria: ACMG Guidelines, 2015. Collection method: clinical testing. Allele origin: germline.

PreventionGenetics, part of Exact Sciences
Classification: Likely benign for GNAI3-related condition. Last evaluated: 2019-03-20. Review status: no assertion criteria provided. Collection method: clinical testing. Allele origin: germline. Not counted in ClinVar's aggregate classification.
Comment: This variant is classified as likely benign based on ACMG/AMP sequence variant interpretation guidelines (Richards et al. 2015 PMID: 25741868, with internal and published modifications).